The following is an entry in ClinVar:

NM_000064.4(C3):c.3489+2T>C

Gene: C3 (complement C3; minus strand). Cytogenetic location: 19p13.3.
Variant type: single nucleotide variant.
Coding change: c.3489+2T>C on transcript NM_000064.4 (MANE Select); the canonical splice donor site of the intron after coding-DNA position 3489, T replaced by C.
Molecular consequence: splice donor variant.
Genome position (GRCh38, 1-based): chr19:6,690,627, A>G on the plus strand (T>C on the coding strand, the complement: C3 is on the minus strand). VCF-style: chr19-6690627-A-G. GRCh37 (hg19) VCF-style: chr19-6690638-A-G.
Identifiers: ClinVar variation 2431464 (VCV002431464.2), dbSNP rs112977278, ClinGen allele CA403623857.

ClinVar aggregate classification (germline): Conflicting classifications of pathogenicity. Review status: criteria provided, conflicting classifications (1 of 4 stars). 2 submissions from 2 submitters: Likely pathogenic (1); Uncertain significance (1). Last evaluated 2025-09-30.

Conditions:
Complement component 3 deficiency. Identifiers: Orphanet 280133, MedGen C3151071, MONDO:0013417, OMIM 613779.

Submissions (2):

Genomenon, Inc
Classification: Uncertain significance for Complement component 3 deficiency. Last evaluated: 2025-09-30. Review status: criteria provided, single submitter. Criteria: Genomenon Sequence Variant Interpretation Standards. Collection method: curation. Allele origin: germline. Affected: yes.
Comment: C3 c.3489+2T>C is a canonical splice variant located in the donor splice region of intron 27. This variant has been observed in at least one proband affected with C3 deficiency (PMID:26847111). At least one splicing study identified that this variant results in aberrant splicing (PMID:26847111). It is absent or not present at a significant frequency in gnomAD. In conclusion, we classify C3 c.3489+2T>C as a variant of unknown significance.

Laboratorio de Genetica e Diagnostico Molecular, Hospital Israelita Albert Einstein
Classification: Likely pathogenic for Complement component 3 deficiency. Last evaluated: 2022-06-24. Review status: criteria provided, single submitter. Criteria: ACMG Guidelines, 2015. Collection method: clinical testing. Allele origin: germline. Affected: yes. Observed: 1 variant allele.
Comment: ACMG classification criteria: PVS1 strong, PM2 moderated

Literature cited by the submitters: PubMed 26847111 (cited by Genomenon, Inc).